The following is an entry in ClinVar:

ClinVar aggregate classification (germline): Uncertain significance. Review status: criteria provided, multiple submitters, no conflicts (2 of 4 stars). 3 submissions from 3 submitters: Uncertain significance (3). Last evaluated 2023-09-29.

Conditions:
Inborn genetic diseases. Identifiers: MedGen C0950123, MeSH D030342.

Allele frequency attached by ClinVar (database versions not stated): gnomAD exomes 0.00006 and 0.00008; TOPMed 0.00007; gnomAD 0.00008 and 0.00009; ExAC 0.00009; ESP Exome Variant Server 0.00023.

Submissions (3):

Ambry Genetics
Classification: Uncertain significance for Inborn genetic diseases. Last evaluated: 2023-09-29. Review status: criteria provided, single submitter. Criteria: Ambry Variant Classification Scheme 2023. Collection method: clinical testing. Allele origin: germline.

Labcorp Genetics (formerly Invitae), Labcorp
Classification: Uncertain significance. Last evaluated: 2022-10-13. Review status: criteria provided, single submitter. Criteria: Invitae Variant Classification Sherloc (09022015). Collection method: clinical testing. Allele origin: germline.
Comment: In summary, the available evidence is currently insufficient to determine the role of this variant in disease. Therefore, it has been classified as a Variant of Uncertain Significance. Algorithms developed to predict the effect of missense changes on protein structure and function are either unavailable or do not agree on the potential impact of this missense change (SIFT: "Deleterious"; PolyPhen-2: "Possibly Damaging"; Align-GVGD: "Class C0"). ClinVar contains an entry for this variant (Variation ID: 809318). This variant has not been reported in the literature in individuals affected with CDC45-related conditions. This variant is present in population databases (rs61752240, gnomAD 0.01%). This sequence change replaces aspartic acid, which is acidic and polar, with asparagine, which is neutral and polar, at codon 140 of the CDC45 protein (p.Asp140Asn).

CeGaT Center for Human Genetics Tuebingen
Classification: Uncertain significance. Last evaluated: 2019-03-01. Review status: criteria provided, single submitter. Criteria: CeGaT Center For Human Genetics Tuebingen Variant Classification Criteria Version 2. Collection method: clinical testing. Allele origin: germline. Affected: yes. Observed: 3 variant alleles.

NM_003504.5(CDC45):c.418G>A (p.Asp140Asn)

Gene: CDC45 (cell division cycle 45; plus strand). Cytogenetic location: 22q11.21.
Variant type: single nucleotide variant.
Coding change: c.418G>A on transcript NM_003504.5 (MANE Select); coding-DNA position 418, G replaced by A.
Protein change: p.Asp140Asn; replaces aspartic acid 140 with asparagine.
Molecular consequence: missense variant. On other transcripts: non-coding transcript variant (1).
Genome position (GRCh38, 1-based): chr22:19,483,937, G>A. VCF-style: chr22-19483937-G-A. GRCh37 (hg19) VCF-style: chr22-19471460-G-A.
Other names: c.418G>A, p.Asp140Asn (NM_001178010.2); c.280G>A, p.Asp94Asn (NM_001178011.2); c.382G>A, p.Asp128Asn (NM_001369291.1); c.418G>A (NM_001178010.1); short protein forms D94N, D128N, D140N.
Identifiers: ClinVar variation 809318 (VCV000809318.45), dbSNP rs61752240, ClinGen allele CA10101039.